The following is an entry in ClinVar:

ClinVar aggregate classification (germline): Pathogenic (1 of 4 stars; one submission).

Conditions:
Retinitis pigmentosa 25 (RP25). Identifiers: Orphanet 791, MedGen C1864446, MONDO:0011272, OMIM 602772.

Submission:

Myriad Genetics, Inc.
Classification: Pathogenic for Retinitis pigmentosa 25. Last evaluated: 2026-07-08. Review status: criteria provided, single submitter. Criteria: Myriad Autosomal Dominant, Autosomal Recessive and X-Linked Classification Criteria (2023). Collection method: clinical testing. Allele origin: unknown.
Comment: NM_001142800.1(EYS):c.6115G>T(E2039*) is expected to be pathogenic in the context of retinitis pigmentosa, EYS-related. This variant is predicted to lead to an abnormal or absent protein product due to the creation of a premature termination codon in EYS, a gene where loss-of-function variants are known to be pathogenic. Please note: this variant was assessed in the context of healthy population screening.

NM_001142800.2(EYS):c.6115G>T (p.Glu2039Ter)

Gene: EYS (EGF-like photoreceptor maintenance factor; minus strand). Cytogenetic location: 6q12.
Variant type: single nucleotide variant.
Coding change: c.6115G>T on transcript NM_001142800.2 (MANE Select); coding-DNA position 6115, G replaced by T.
Protein change: p.Glu2039Ter; replaces glutamic acid 2039 with a stop codon.
Molecular consequence: nonsense.
Genome position (GRCh38, 1-based): chr6:64,307,046, C>A on the plus strand (G>T on the coding strand, the complement: EYS is on the minus strand). VCF-style: chr6-64307046-C-A. GRCh37 (hg19) VCF-style: chr6-65016939-C-A.
Other names: c.6115G>T, p.Glu2039Ter (NM_001292009.2); short protein forms E2039*.
Identifiers: ClinVar variation 5016110 (VCV005016110.1).